The following is an entry in ClinVar:

NM_000257.4(MYH7):c.2727C>A (p.Ile909=)

Gene: MYH7 (myosin heavy chain 7; minus strand). Cytogenetic location: 14q11.2.
Variant type: single nucleotide variant.
Coding change: c.2727C>A on transcript NM_000257.4 (MANE Select); coding-DNA position 2727, C replaced by A.
Protein change: p.Ile909=; no amino-acid change (isoleucine 909 retained).
Molecular consequence: synonymous variant.
Genome position (GRCh38, 1-based): chr14:23,424,102, G>T on the plus strand (C>A on the coding strand, the complement: MYH7 is on the minus strand). VCF-style: chr14-23424102-G-T. GRCh37 (hg19) VCF-style: chr14-23893311-G-T.
Other names: c.2727C>A (LRG_384t1).
Identifiers: ClinVar variation 312908 (VCV000312908.26), dbSNP rs377722048, ClinGen allele CA034151.

ClinVar aggregate classification (germline): Likely benign. Review status: criteria provided, multiple submitters, no conflicts (2 of 4 stars). 11 submissions from 8 submitters: Likely benign (7). 4 of the submissions do not count toward it. Last evaluated 2026-02-03.

Conditions:
Cardiomyopathy (CMYO). Also called: Cardiomyopathies. Identifiers: Orphanet 167848, MedGen C0878544, MONDO:0004994, HP:0001638. Inheritance: Various modes of inheritance.
MYH7-related skeletal myopathy. Also called: Myopathy, distal, 1; MYOPATHY, DISTAL, EARLY-ONSET, AUTOSOMAL DOMINANT; MYOPATHY, LATE DISTAL HEREDITARY; Laing distal myopathy; Laing early-onset distal myopathy. Identifiers: Orphanet 59135, MedGen C4552004, MONDO:0008050, OMIM 160500.
Hypertrophic cardiomyopathy 1 (CMH1). Also called: Familial hypertrophic cardiomyopathy 1; MYH7-Related Familial Hypertrophic Cardiomyopathy. Identifiers: MedGen C3495498, MONDO:0008647, OMIM 192600.
Dilated cardiomyopathy 1S (CMD1S). Identifiers: Orphanet 154, Orphanet 54260, MedGen C1834481, MONDO:0013262, OMIM 613426.
Myosin storage myopathy (CMYO7A). Also called: MYOPATHY, HYALINE BODY, AUTOSOMAL DOMINANT; Scapuloperoneal myopathy, MYH7-related; MYOPATHY WITH LYSIS OF TYPE I MYOFIBRILS; SCAPULOPERONEAL MUSCULAR DYSTROPHY; SCAPULOPERONEAL SYNDROME, MYOPATHIC TYPE; MYH7-related late-onset scapuloperoneal muscular dystrophy. Identifiers: Orphanet 437572, Orphanet 636965, MedGen C1842160, MONDO:0008409, OMIM 608358.
Hypertrophic cardiomyopathy. Also called: HYPERTROPHIC MYOCARDIOPATHY. Identifiers: Orphanet 217569, MedGen C0007194, MeSH D002312, MONDO:0005045, HP:0001639.

Allele frequency attached by ClinVar (database versions not stated): gnomAD 0.00001 and 0.00003; gnomAD exomes 0.00001 and 0.00005; TOPMed 0.00001; ExAC 0.00004; 1000 Genomes Project 30x 0.00031; 1000 Genomes Project 0.00040.
gnomAD v4.1: 25 of 1,614,182 alleles (0.0015%); highest among the groups gnomAD compares: East Asian, 0.027%; no homozygotes.

Submissions (11):

Labcorp Genetics (formerly Invitae), Labcorp
Classification: Likely benign for Hypertrophic cardiomyopathy. Last evaluated: 2026-02-03. Review status: criteria provided, single submitter. Criteria: Invitae Variant Classification Sherloc (09022015). Collection method: clinical testing. Allele origin: germline.

All of Us Research Program, National Institutes of Health
Classification: Likely benign for Cardiomyopathy. Last evaluated: 2024-09-17. Review status: criteria provided, single submitter. Criteria: ACMG Guidelines, 2015. Collection method: clinical testing. Allele origin: germline. Inheritance: Autosomal dominant inheritance. Observed: 9 variant alleles, 9 heterozygotes.
Comment: This study involves interpretation of variants in research participants for the purpose of population health screening. Participant phenotype was not available at the time of variant classification. Additional details can be found in publication PMID: 35346344, PMCID: PMC8962531

Color Diagnostics, LLC DBA Color Health
Classification: Likely benign for Cardiomyopathy. Last evaluated: 2019-05-13. Review status: criteria provided, single submitter. Criteria: ACMG Guidelines, 2015. Collection method: clinical testing. Allele origin: germline.

Illumina Laboratory Services, Illumina
Classification: Likely benign for MYH7-related skeletal myopathy. Last evaluated: 2017-04-27. Review status: criteria provided, single submitter. Criteria: ICSL Variant Classification Criteria 13 December 2019. Collection method: clinical testing. Allele origin: germline.
Comment: This variant was observed as part of a predisposition screen in an ostensibly healthy population. A literature search was performed for the gene, cDNA change, and amino acid change (where applicable). No publications were found based on this search. Allele frequency data from public databases allowed determination this variant is unlikely to cause disease. Therefore, this variant is classified as likely benign.

Illumina Laboratory Services, Illumina
Classification: Likely benign for Hypertrophic cardiomyopathy 1. Last evaluated: 2017-04-27. Review status: criteria provided, single submitter. Criteria: ICSL Variant Classification Criteria 13 December 2019. Collection method: clinical testing. Allele origin: germline.
Comment: This variant was observed as part of a predisposition screen in an ostensibly healthy population. A literature search was performed for the gene, cDNA change, and amino acid change (where applicable). Publications were found based on this search. The evidence from the literature, in combination with allele frequency data from public databases where available, was sufficient to determine this variant is unlikely to cause disease. Therefore, this variant is classified as likely benign.

Illumina Laboratory Services, Illumina
Classification: Likely benign for Myosin storage myopathy. Last evaluated: 2017-04-27. Review status: criteria provided, single submitter. Criteria: ICSL Variant Classification Criteria 13 December 2019. Collection method: clinical testing. Allele origin: germline.
Comment: the same text as in the submission from Illumina Laboratory Services, Illumina above.

Illumina Laboratory Services, Illumina
Classification: Likely benign for Dilated cardiomyopathy 1S. Last evaluated: 2017-04-27. Review status: criteria provided, single submitter. Criteria: ICSL Variant Classification Criteria 13 December 2019. Collection method: clinical testing. Allele origin: germline.
Comment: the same text as in the submission from Illumina Laboratory Services, Illumina above.

Clinical Genetics, Academic Medical Center
Classification: Benign. Review status: no assertion criteria provided. Collection method: clinical testing. Allele origin: germline. Affected: yes. Study: VKGL Data-share Consensus. Not counted in ClinVar's aggregate classification.

Diagnostic Laboratory, Department of Genetics, University Medical Center Groningen
Classification: Likely benign. Review status: no assertion criteria provided. Collection method: clinical testing. Allele origin: germline. Affected: yes. Study: VKGL Data-share Consensus. Not counted in ClinVar's aggregate classification.

Genome Diagnostics Laboratory, University Medical Center Utrecht
Classification: Likely benign. Review status: no assertion criteria provided. Collection method: clinical testing. Allele origin: germline. Affected: yes. Study: VKGL Data-share Consensus. Not counted in ClinVar's aggregate classification.

Joint Genome Diagnostic Labs from Nijmegen and Maastricht, Radboudumc and MUMC+
Classification: Likely benign. Review status: no assertion criteria provided. Collection method: clinical testing. Allele origin: germline. Affected: yes. Study: VKGL Data-share Consensus. Not counted in ClinVar's aggregate classification.

Literature cited by the submitters: PubMed 18533079 (cited by Illumina Laboratory Services, Illumina).